The following is an entry in ClinVar:

NM_022124.6(CDH23):c.1634G>A (p.Gly545Asp)

Gene: CDH23 (cadherin related 23; plus strand). Cytogenetic location: 10q22.1.
Variant type: single nucleotide variant.
Coding change: c.1634G>A on transcript NM_022124.6 (MANE Select); coding-DNA position 1634, G replaced by A.
Protein change: p.Gly545Asp; replaces glycine 545 with aspartic acid.
Molecular consequence: missense variant.
Genome position (GRCh38, 1-based): chr10:71,677,575, G>A. VCF-style: chr10-71677575-G-A. GRCh37 (hg19) VCF-style: chr10-73437332-G-A.
Other names: c.1634G>A, p.Gly545Asp (NM_001171930.2, NM_001171931.2); short protein forms G545D.
Identifiers: ClinVar variation 2072687 (VCV002072687.4), dbSNP rs1864426346, ClinGen allele CA377130458.

ClinVar aggregate classification (germline): Uncertain significance (1 of 4 stars; one submission).

Submission:

Labcorp Genetics (formerly Invitae), Labcorp
Classification: Uncertain significance. Last evaluated: 2022-04-10. Review status: criteria provided, single submitter. Criteria: Invitae Variant Classification Sherloc (09022015). Collection method: clinical testing. Allele origin: germline.
Comment: This sequence change replaces glycine, which is neutral and non-polar, with aspartic acid, which is acidic and polar, at codon 545 of the CDH23 protein (p.Gly545Asp). This variant is not present in population databases (gnomAD no frequency). This variant has not been reported in the literature in individuals affected with CDH23-related conditions. Algorithms developed to predict the effect of missense changes on protein structure and function are either unavailable or do not agree on the potential impact of this missense change (SIFT: "Tolerated"; PolyPhen-2: "Not Available"; Align-GVGD: "Class C0"). In summary, the available evidence is currently insufficient to determine the role of this variant in disease. Therefore, it has been classified as a Variant of Uncertain Significance.